The following is an entry in ClinVar:

NM_033305.3(VPS13A):c.4553C>A (p.Ala1518Glu)

Gene: VPS13A (vacuolar protein sorting 13 homolog A; plus strand). Cytogenetic location: 9q21.2.
Variant type: single nucleotide variant.
Coding change: c.4553C>A on transcript NM_033305.3 (MANE Select); coding-DNA position 4553, C replaced by A.
Protein change: p.Ala1518Glu; replaces alanine 1518 with glutamic acid.
Molecular consequence: missense variant.
Genome position (GRCh38, 1-based): chr9:77,315,393, C>A. VCF-style: chr9-77315393-C-A. GRCh37 (hg19) VCF-style: chr9-79930309-C-A.
Other names: c.4553C>A (NM_033305.2); c.4436C>A, p.Ala1479Glu (NM_001018037.2); c.4553C>A, p.Ala1518Glu (NM_001018038.3, NM_015186.4); short protein forms A1518E, A1479E.
Identifiers: ClinVar variation 1417604 (VCV001417604.4), dbSNP rs747128181, ClinGen allele CA5092549.

ClinVar aggregate classification (germline): Uncertain significance. Review status: criteria provided, multiple submitters, no conflicts (2 of 4 stars). 2 submissions from 2 submitters: Uncertain significance (2). Last evaluated 2025-08-08.

Conditions:
Inborn genetic diseases. Identifiers: MedGen C0950123, MeSH D030342.

Allele frequency attached by ClinVar (database versions not stated): ExAC 0.00002; gnomAD exomes 0.00002; gnomAD 0.00001; TOPMed 0.00001.
gnomAD v4.1: 29 of 1,613,758 alleles (0.0018%); highest among the groups gnomAD compares: Non-Finnish European, 0.0024%; no homozygotes.

Submissions (2):

Ambry Genetics
Classification: Uncertain significance for Inborn genetic diseases. Last evaluated: 2025-08-08. Review status: criteria provided, single submitter. Criteria: Ambry Variant Classification Scheme 2023. Collection method: clinical testing. Allele origin: germline.

Labcorp Genetics (formerly Invitae), Labcorp
Classification: Uncertain significance. Last evaluated: 2022-02-22. Review status: criteria provided, single submitter. Criteria: Invitae Variant Classification Sherloc (09022015). Collection method: clinical testing. Allele origin: germline.
Comment: This sequence change replaces alanine, which is neutral and non-polar, with glutamic acid, which is acidic and polar, at codon 1518 of the VPS13A protein (p.Ala1518Glu). This variant is present in population databases (rs747128181, gnomAD 0.004%). This variant has not been reported in the literature in individuals affected with VPS13A-related conditions. Algorithms developed to predict the effect of missense changes on protein structure and function are either unavailable or do not agree on the potential impact of this missense change (SIFT: "Tolerated"; PolyPhen-2: "Possibly Damaging"; Align-GVGD: "Class C0"). In summary, the available evidence is currently insufficient to determine the role of this variant in disease. Therefore, it has been classified as a Variant of Uncertain Significance.